The following is an entry in ClinVar:

ClinVar aggregate classification (germline): Uncertain significance. Review status: criteria provided, multiple submitters, no conflicts (2 of 4 stars). 3 submissions from 3 submitters: Uncertain significance (3). Last evaluated 2025-10-08.

Conditions:
Charcot-Marie-Tooth disease type 2. Also called: Charcot-Marie-Tooth type 2. Identifiers: Orphanet 64746, MedGen C0270914, MONDO:0018993.
Cardiomyopathy (CMYO). Also called: Cardiomyopathies. Identifiers: Orphanet 167848, MedGen C0878544, MONDO:0004994, HP:0001638. Inheritance: Various modes of inheritance.

Allele frequency attached by ClinVar (database versions not stated): TOPMed 0.00001; gnomAD 0.00002.

Submissions (3):

Labcorp Genetics (formerly Invitae), Labcorp
Classification: Uncertain significance for Charcot-Marie-Tooth disease type 2. Last evaluated: 2025-10-08. Review status: criteria provided, single submitter. Criteria: Invitae Variant Classification Sherloc (09022015). Collection method: clinical testing. Allele origin: germline.
Comment: This sequence change replaces lysine, which is basic and polar, with glutamic acid, which is acidic and polar, at codon 122 of the LMNA protein (p.Lys122Glu). This variant is not present in population databases (gnomAD no frequency). This variant has not been reported in the literature in individuals affected with LMNA-related conditions. ClinVar contains an entry for this variant (Variation ID: 1312287). Invitae Evidence Modeling of protein sequence and biophysical properties (such as structural, functional, and spatial information, amino acid conservation, physicochemical variation, residue mobility, and thermodynamic stability) indicates that this missense variant is expected to disrupt LMNA protein function with a positive predictive value of 95%. In summary, the available evidence is currently insufficient to determine the role of this variant in disease. Therefore, it has been classified as a Variant of Uncertain Significance.

Color Diagnostics, LLC DBA Color Health
Classification: Uncertain significance for Cardiomyopathy. Last evaluated: 2024-03-06. Review status: criteria provided, single submitter. Criteria: ACMG Guidelines, 2015. Collection method: clinical testing. Allele origin: germline.
Comment: This missense variant replaces lysine with glutamic acid at codon 122 of the lamin A/C proteins. Computational prediction suggests that this variant may have deleterious impact on protein structure and function (internally defined REVEL score threshold >= 0.7, PMID: 27666373). To our knowledge, functional studies have not been reported for this variant. This variant has not been reported in individuals affected with cardiovascular disorders in the literature. This variant has not been identified in the general population by the Genome Aggregation Database (gnomAD). The available evidence is insufficient to determine the role of this variant in disease conclusively. Therefore, this variant is classified as a Variant of Uncertain Significance.

GeneDx
Classification: Uncertain significance. Last evaluated: 2020-02-07. Review status: criteria provided, single submitter. Criteria: GeneDx Variant Classification Process June 2021. Collection method: clinical testing. Allele origin: germline. Affected: yes.
Comment: Not observed in large population cohorts (Lek et al., 2016); In silico analysis supports that this missense variant has a deleterious effect on protein structure/function; Has not been previously published as pathogenic or benign to our knowledge

NM_170707.4(LMNA):c.364A>G (p.Lys122Glu)

Genes: LMNA (lamin A/C; plus strand), LOC126805877 (MED14-independent group 3 enhancer GRCh37_chr1:156099693-156100892; plus strand). Cytogenetic location: 1q22.
Variant type: single nucleotide variant.
Coding change: c.364A>G on transcript NM_170707.4 (MANE Select); coding-DNA position 364, A replaced by G.
Protein change: p.Lys122Glu; replaces lysine 122 with glutamic acid.
Molecular consequence: missense variant.
Genome position (GRCh38, 1-based): chr1:156,130,624, A>G. VCF-style: chr1-156130624-A-G. GRCh37 (hg19) VCF-style: chr1-156100415-A-G.
Other names: c.28A>G, p.Lys10Glu (NM_001257374.3); c.121A>G, p.Lys41Glu (NM_001282624.2); c.364A>G, p.Lys122Glu (NM_001282625.2, NM_001282626.2, NM_005572.4 and 1 more transcripts); short protein forms K10E, K122E, K41E.
Identifiers: ClinVar variation 1312287 (VCV001312287.8), dbSNP rs1222398892, ClinGen allele CA342814991.